The following is an entry in ClinVar:

ClinVar aggregate classification (germline): Uncertain significance (1 of 4 stars; one submission).

gnomAD v4.1: 24 of 1,611,204 alleles (0.0015%); highest among the groups gnomAD compares: South Asian, 0.0022%; no homozygotes.

Submission:

Labcorp Genetics (formerly Invitae), Labcorp
Classification: Uncertain significance. Last evaluated: 2025-12-10. Review status: criteria provided, single submitter. Criteria: Invitae Variant Classification Sherloc (09022015). Collection method: clinical testing. Allele origin: germline.
Comment: This sequence change replaces alanine, which is neutral and non-polar, with proline, which is neutral and non-polar, at codon 1541 of the ARFGEF2 protein (p.Ala1541Pro). This variant is present in population databases (rs775764028, gnomAD 0.01%). This variant has not been reported in the literature in individuals affected with ARFGEF2-related conditions. An algorithm developed to predict the effect of missense changes on protein structure and function (PolyPhen-2) suggests that this variant is likely to be tolerated. In summary, the available evidence is currently insufficient to determine the role of this variant in disease. Therefore, it has been classified as a Variant of Uncertain Significance.

NM_006420.3(ARFGEF2):c.4621G>C (p.Ala1541Pro)

Gene: ARFGEF2 (ARF guanine nucleotide exchange factor 2; plus strand). Cytogenetic location: 20q13.13.
Variant type: single nucleotide variant.
Coding change: c.4621G>C on transcript NM_006420.3 (MANE Select); coding-DNA position 4621, G replaced by C.
Protein change: p.Ala1541Pro; replaces alanine 1541 with proline.
Molecular consequence: missense variant.
Genome position (GRCh38, 1-based): chr20:49,018,995, G>C. VCF-style: chr20-49018995-G-C. GRCh37 (hg19) VCF-style: chr20-47635532-G-C.
Other names: c.4618G>C, p.Ala1540Pro (NM_001410846.1); short protein forms A1541P, A1540P.
Identifiers: ClinVar variation 4738370 (VCV004738370.1).